The following is an entry in ClinVar:

ClinVar aggregate classification (germline): Uncertain significance. Review status: criteria provided, multiple submitters, no conflicts (2 of 4 stars). 3 submissions from 3 submitters: Uncertain significance (3). Last evaluated 2025-05-26.

Conditions:
Arrhythmogenic cardiomyopathy with wooly hair and keratoderma. Also called: Dilated cardiomyopathy with woolly hair and keratoderma; Arrhythmogenic cardiomyopathy with woolly hair and keratoderma; PALMOPLANTAR KERATODERMA WITH LEFT VENTRICULAR CARDIOMYOPATHY AND WOOLLY HAIR; Carvajal syndrome. Identifiers: Orphanet 65282, MedGen C1854063, MONDO:0011581, OMIM 605676.
Arrhythmogenic right ventricular dysplasia 8 (ARVD8). Also called: Arrhythmogenic Right Ventricular Dysplasia/Cardiomyopathy 8; ARRHYTHMOGENIC RIGHT VENTRICULAR DYSPLASIA, FAMILIAL, 8; ARRHYTHMOGENIC RIGHT VENTRICULAR CARDIOMYOPATHY 8. Identifiers: MedGen C1843896, MONDO:0011831, OMIM 607450.
Cardiomyopathy (CMYO). Also called: Cardiomyopathies. Identifiers: Orphanet 167848, MedGen C0878544, MONDO:0004994, HP:0001638. Inheritance: Various modes of inheritance.

Allele frequency attached by ClinVar (database versions not stated): gnomAD exomes below 0.00001; TOPMed below 0.00001.
gnomAD v4.1: 3 of 1,614,076 alleles (0.00019%); highest among the groups gnomAD compares: Non-Finnish European, 0.00025%; no homozygotes.

Submissions (3):

Color Diagnostics, LLC DBA Color Health
Classification: Uncertain significance for Cardiomyopathy. Last evaluated: 2025-05-26. Review status: criteria provided, single submitter. Criteria: ACMG Guidelines, 2015. Collection method: clinical testing. Allele origin: germline.
Comment: This missense variant replaces glutamine with arginine at codon 1511 of the DSP protein. Computational prediction suggests that this variant may not impact protein structure and function. To our knowledge, functional studies have not been reported for this variant. This variant has not been reported in individuals affected with DSP-related disorders in the literature. This variant has not been identified in the general population by the Genome Aggregation Database (gnomAD). The available evidence is insufficient to determine the role of this variant in disease conclusively. Therefore, this variant is classified as a Variant of Uncertain Significance.

All of Us Research Program, National Institutes of Health
Classification: Uncertain significance for Arrhythmogenic cardiomyopathy with wooly hair and keratoderma. Last evaluated: 2023-07-10. Review status: criteria provided, single submitter. Criteria: ACMG Guidelines, 2015. Collection method: clinical testing. Allele origin: germline. Inheritance: Autosomal dominant inheritance. Observed: 2 variant alleles, 2 heterozygotes.
Comment: This missense variant replaces glutamine with arginine at codon 1511 of the DSP protein. Computational prediction suggests that this variant may not impact protein structure and function (internally defined REVEL score threshold <= 0.5, PMID: 27666373). To our knowledge, functional studies have not been reported for this variant. This variant has not been reported in individuals affected with DSP-related disorders in the literature. This variant has not been identified in the general population by the Genome Aggregation Database (gnomAD). The available evidence is insufficient to determine the role of this variant in disease conclusively. Therefore, this variant is classified as a Variant of Uncertain Significance.

This study involves interpretation of variants in research participants for the purpose of population health screening. Participant phenotype was not available at the time of variant classification. Additional details can be found in publication PMID: 35346344, PMCID: PMC8962531

Labcorp Genetics (formerly Invitae), Labcorp
Classification: Uncertain significance for Arrhythmogenic cardiomyopathy with wooly hair and keratoderma; Arrhythmogenic right ventricular dysplasia 8. Last evaluated: 2022-11-17. Review status: criteria provided, single submitter. Criteria: Invitae Variant Classification Sherloc (09022015). Collection method: clinical testing. Allele origin: germline.
Comment: In summary, the available evidence is currently insufficient to determine the role of this variant in disease. Therefore, it has been classified as a Variant of Uncertain Significance. This sequence change replaces glutamine, which is neutral and polar, with arginine, which is basic and polar, at codon 1511 of the DSP protein (p.Gln1511Arg). This variant is not present in population databases (gnomAD no frequency). This variant has not been reported in the literature in individuals affected with DSP-related conditions. Algorithms developed to predict the effect of missense changes on protein structure and function are either unavailable or do not agree on the potential impact of this missense change (SIFT: "Deleterious"; PolyPhen-2: "Benign"; Align-GVGD: "Class C0").

NM_004415.4(DSP):c.4532A>G (p.Gln1511Arg)

Gene: DSP (desmoplakin; plus strand). Cytogenetic location: 6p24.3.
Variant type: single nucleotide variant.
Coding change: c.4532A>G on transcript NM_004415.4 (MANE Select); coding-DNA position 4532, A replaced by G.
Protein change: p.Gln1511Arg; replaces glutamine 1511 with arginine.
Molecular consequence: missense variant. On other transcripts: intron variant (2).
Genome position (GRCh38, 1-based): chr6:7,580,722, A>G. VCF-style: chr6-7580722-A-G. GRCh37 (hg19) VCF-style: chr6-7580955-A-G.
Other names: c.4050+482A>G (NM_001319034.2); c.3582+950A>G (NM_001008844.3); short protein forms Q1511R.
Identifiers: ClinVar variation 2925197 (VCV002925197.4), dbSNP rs1759405658, ClinGen allele CA362686518.
Genomic context (GRCh38, chr6:7,580,722, plus strand): 5'-ACAAAGAAACAAATGACCGGAAATGCCTGGAAGATGAAAACGCGAGATTACAAAGGGTCC[A>G]GTATGACCTGCAGAAAGCAAACAGTAGTGCGACGGAGACAATAAACAAACTGAAGGTTCA-3'
Protein context (NP_004406.2, residues 1501-1521): EDENARLQRV[Gln1511Arg]YDLQKANSSA